The following is an entry in ClinVar:

NM_133379.5(TTN):c.13017T>A (p.Gly4339=)

Gene: TTN (titin; minus strand). Cytogenetic location: 2q31.2.
Variant type: single nucleotide variant.
Coding change: c.13017T>A on transcript NM_133379.5; coding-DNA position 13017, T replaced by A.
Protein change: p.Gly4339=; no amino-acid change (glycine 4339 retained).
Molecular consequence: synonymous variant. On other transcripts: intron variant (6).
Genome position (GRCh38, 1-based): chr2:178,749,383, A>T on the plus strand (T>A on the coding strand, the complement: TTN is on the minus strand). VCF-style: chr2-178749383-A-T. GRCh37 (hg19) VCF-style: chr2-179614110-A-T.
Other names: c.10222+3741T>A (NM_003319.4); c.10798+3741T>A (NM_133437.4); c.10597+3741T>A (NM_133432.3); c.10360+3741T>A (NM_133378.4, NM_001256850.1); c.11311+3741T>A (NM_001267550.2).
Identifiers: ClinVar variation 1675830 (VCV001675830.33), dbSNP rs201478352, ClinGen allele CA2003468.

ClinVar aggregate classification (germline): Likely benign (1 of 4 stars; one submission).

Allele frequency attached by ClinVar (database versions not stated): ExAC 0.00001; gnomAD 0.00001; gnomAD exomes 0.00002; TOPMed 0.00002.
gnomAD v4.1: 18 of 1,613,064 alleles (0.0011%); highest among the groups gnomAD compares: Middle Eastern, 0.016%; no homozygotes.

Submission:

CeGaT Center for Human Genetics Tuebingen
Classification: Likely benign. Last evaluated: 2026-06-01. Review status: criteria provided, single submitter. Criteria: CeGaT Center For Human Genetics Tuebingen Variant Classification Criteria Version 2. Collection method: clinical testing. Allele origin: germline. Affected: yes. Observed: 11 variant alleles.
Comment: TTN: BP4, BP7